The following is an entry in ClinVar:

NM_024664.4(PPCS):c.355dup (p.Glu119fs)

Genes: CCDC30 (coiled-coil domain containing 30; plus strand), PPCS (phosphopantothenoylcysteine synthetase; plus strand). Cytogenetic location: 1p34.2.
Variant type: Duplication.
Coding change: c.355dup on transcript NM_024664.4 (MANE Select); coding-DNA position 355, one base duplicated (G; older notation c.355dupG).
Protein change: p.Glu119fs; shifts the reading frame from glutamic acid 119.
Molecular consequence: frameshift variant. On other transcripts: 5 prime UTR variant (1), intron variant (6).
Genome position (GRCh38, 1-based): chr1:42,456,920, G duplicated; the last of 2 consecutive G bases (chr1:42,456,919-42,456,920); duplicating either gives the same sequence. VCF-style (leftmost placement, unchanged base first): chr1-42456918-T-TG. GRCh37 (hg19) VCF-style: chr1-42922589-T-TG.
Other names: c.-338dup (NM_001287510.2); c.355dup, p.Glu119fs (NM_001287511.2); c.-983-327dup (NM_001355226.2); c.-327-327dup (NM_001287507.1); c.-11-327dup (NM_001287506.1, NM_001287509.2); c.-12+196dup (NM_001287508.2); c.-12+292dup (NM_001077447.3); short protein forms E119fs.
Identifiers: ClinVar variation 4723197 (VCV004723197.1).

ClinVar aggregate classification (germline): Uncertain significance (1 of 4 stars; one submission).

Submission:

Labcorp Genetics (formerly Invitae), Labcorp
Classification: Uncertain significance. Last evaluated: 2025-07-14. Review status: criteria provided, single submitter. Criteria: Invitae Variant Classification Sherloc (09022015). Collection method: clinical testing. Allele origin: germline.
Comment: This sequence change creates a premature translational stop signal (p.Glu119Glyfs*12) in the PPCS gene. It is expected to result in an absent or disrupted protein product. However, the current clinical and genetic evidence is not sufficient to establish whether loss-of-function variants in PPCS cause disease. This variant is not present in population databases (gnomAD no frequency). This variant has not been reported in the literature in individuals affected with PPCS-related conditions. Algorithms developed to predict the effect of sequence changes on RNA splicing suggest that this variant may disrupt the consensus splice site. In summary, the available evidence is currently insufficient to determine the role of this variant in disease. Therefore, it has been classified as a Variant of Uncertain Significance.